The following is an entry in ClinVar:

NM_016955.4(SEPSECS):c.482del (p.Lys161fs)

Gene: SEPSECS (Sep (O-phosphoserine) tRNA:Sec (selenocysteine) tRNA synthase; minus strand). Cytogenetic location: 4p15.2.
Variant type: Deletion.
Coding change: c.482del on transcript NM_016955.4 (MANE Select); coding-DNA position 482, one base deleted (A; older notation c.482delA).
Protein change: p.Lys161fs; shifts the reading frame from lysine 161.
Molecular consequence: frameshift variant.
Genome position (GRCh38, 1-based): chr4:25,156,102, T deleted on the plus strand (A on the coding strand, the reverse complement: SEPSECS is on the minus strand); the first of 3 consecutive T bases (chr4:25,156,102-25,156,104); deleting any one gives the same sequence. VCF-style (leftmost placement, unchanged base first): chr4-25156101-CT-C. GRCh37 (hg19) VCF-style: chr4-25157723-CT-C.
Other names: c.482del (NM_016955.3); short protein forms K161fs.
Identifiers: ClinVar variation 1379888 (VCV001379888.7), dbSNP rs2109034059, ClinGen allele CA2573137665.

ClinVar aggregate classification (germline): Pathogenic/Likely pathogenic. Review status: criteria provided, multiple submitters, no conflicts (2 of 4 stars). 2 submissions from 2 submitters: Pathogenic (1); Likely pathogenic (1). Last evaluated 2024-07-24.

Conditions:
Pontocerebellar hypoplasia type 2D (PCH2D). Also called: Progressive cerebello-cerebral atrophy. Identifiers: Orphanet 247198, Orphanet 2524, MedGen C3151140, MONDO:0013438, OMIM 613811.

Submissions (2):

Natera, Inc.
Classification: Likely pathogenic for Pontocerebellar hypoplasia type 2d. Last evaluated: 2024-07-24. Review status: criteria provided, single submitter. Criteria: Natera Variant Classification Schema (03/2026). Collection method: clinical testing. Allele origin: germline.
Comment: The c.482del variant in SEPSECS is a frameshift variant predicted to shift the reading frame beginning at codon 161 and leads to a stop codon 10 codons downstream. This variant is expected to result in nonsense mediated decay, truncation, or a dysfunctional protein product. This variant is rare in the general population with a frequency below the threshold expected for the associated phenotype(s). Given the available evidence, this variant is classified as Likely Pathogenic.

Labcorp Genetics (formerly Invitae), Labcorp
Classification: Pathogenic. Last evaluated: 2021-04-19. Review status: criteria provided, single submitter. Criteria: Invitae Variant Classification Sherloc (09022015). Collection method: clinical testing. Allele origin: germline.
Comment: This sequence change creates a premature translational stop signal (p.Lys161Argfs*10) in the SEPSECS gene. It is expected to result in an absent or disrupted protein product. Loss-of-function variants in SEPSECS are known to be pathogenic (PMID: 25558065, 25590979, 26115735). This variant is not present in population databases (ExAC no frequency). For these reasons, this variant has been classified as Pathogenic. This variant has not been reported in the literature in individuals with SEPSECS-related conditions.

Literature cited by the submitters: PubMed 25558065 (cited by Labcorp Genetics (formerly Invitae), Labcorp); PubMed 25590979 (cited by Labcorp Genetics (formerly Invitae), Labcorp); PubMed 26115735 (cited by Labcorp Genetics (formerly Invitae), Labcorp).